The following is an entry in ClinVar:

ClinVar aggregate classification (germline): Uncertain significance (1 of 4 stars; one submission).

Conditions:
Hereditary cancer-predisposing syndrome. Also called: Neoplastic Syndromes, Hereditary; Hereditary Cancer Syndrome; Hereditary neoplastic syndrome; Tumor predisposition. Identifiers: Orphanet 140162, MedGen C0027672, MeSH D009386, MONDO:0015356.

Submission:

Ambry Genetics
Classification: Uncertain significance for Hereditary cancer-predisposing syndrome. Last evaluated: 2023-05-26. Review status: criteria provided, single submitter. Criteria: Ambry Variant Classification Scheme 2023. Collection method: clinical testing. Allele origin: germline.
Comment: The p.V1120A variant (also known as c.3359T>C), located in coding exon 28 of the TSC2 gene, results from a T to C substitution at nucleotide position 3359. The valine at codon 1120 is replaced by alanine, an amino acid with similar properties. This amino acid position is conserved. In addition, the in silico prediction for this alteration is inconclusive. Since supporting evidence is limited at this time, the clinical significance of this alteration remains unclear.

NM_000548.5(TSC2):c.3359T>C (p.Val1120Ala)

Gene: TSC2 (TSC complex subunit 2; plus strand). Cytogenetic location: 16p13.3.
Variant type: single nucleotide variant.
Coding change: c.3359T>C on transcript NM_000548.5 (MANE Select); coding-DNA position 3359, T replaced by C.
Protein change: p.Val1120Ala; replaces valine 1120 with alanine.
Molecular consequence: missense variant. On other transcripts: non-coding transcript variant (5).
Genome position (GRCh38, 1-based): chr16:2,079,631, T>C. VCF-style: chr16-2079631-T-C. GRCh37 (hg19) VCF-style: chr16-2129632-T-C.
Other names: c.3083T>C, p.Val1028Ala (NM_001318829.2); c.2627T>C, p.Val876Ala (NM_001318831.2, NM_001406687.1, NM_001406688.1); c.3260T>C, p.Val1087Ala (NM_001318832.2); c.3230T>C, p.Val1077Ala (NM_001363528.2, NM_001370405.1, NM_021055.3); c.3227T>C, p.Val1076Ala (NM_001370404.1, NM_001406665.1, NM_001077183.3); c.3356T>C, p.Val1119Ala (NM_001406663.1, NM_001406664.1); c.3320T>C, p.Val1107Ala (NM_001406667.1); c.3317T>C, p.Val1106Ala (NM_001406668.1); and 18 more; short protein forms V1057A, V1070A, V1072A, V1106A, V1119A, V542A, V629A, V1039A.
Identifiers: ClinVar variation 2564738 (VCV002564738.2), dbSNP rs397514895, ClinGen allele CA394286665.